The following is an entry in ClinVar:

NM_018082.6(POLR3B):c.664C>T (p.Arg222Ter)

Gene: POLR3B (RNA polymerase III subunit B; plus strand). Cytogenetic location: 12q23.3.
Variant type: single nucleotide variant.
Coding change: c.664C>T on transcript NM_018082.6 (MANE Select); coding-DNA position 664, C replaced by T.
Protein change: p.Arg222Ter; replaces arginine 222 with a stop codon.
Molecular consequence: nonsense.
Genome position (GRCh38, 1-based): chr12:106,380,080, C>T. VCF-style: chr12-106380080-C-T. GRCh37 (hg19) VCF-style: chr12-106773858-C-T.
Other names: c.490C>T, p.Arg164Ter (NM_001160708.2); short protein forms R164*, R222*.
Identifiers: ClinVar variation 2446612 (VCV002446612.6), dbSNP rs767558518, ClinGen allele CA6761756.

ClinVar aggregate classification (germline): Pathogenic/Likely pathogenic. Review status: criteria provided, multiple submitters, no conflicts (2 of 4 stars). 4 submissions from 4 submitters: Pathogenic (2); Likely pathogenic (2). Last evaluated 2025-09-10.

Conditions:
Leukodystrophy, hypomyelinating, 8, with or without oligodontia and/or hypogonadotropic hypogonadism. Also called: Endosteal sclerosis-cerebellar hypoplasia syndrome; Hypomyelinating leukodystrophy 8 with or without oligodontia and-or hypogonadotropic hypogonadism; LEUKODYSTROPHY, HYPOMYELINATING, 8, WITH HYPODONTIA AND HYPOGONADOTROPIC HYPOGONADISM. Identifiers: Orphanet 85186, Orphanet 88637, MedGen C3280644, MONDO:0013722, OMIM 614381.
Charcot-Marie-Tooth disease, demyelinating, IIA 1I. Also called: CHARCOT-MARIE-TOOTH NEUROPATHY, TYPE 1I; Charcot-Marie-Tooth disease, demyelinating, type 1I. Identifiers: MedGen C5676914, MONDO:0030677, OMIM 619742.

Allele frequency attached by ClinVar (database versions not stated): gnomAD exomes 0.00001.
gnomAD v4.1: 12 of 1,612,858 alleles (0.00074%); highest among the groups gnomAD compares: South Asian, 0.0044%; no homozygotes.

Submissions (4):

Genomic Medicine Center of Excellence, King Faisal Specialist Hospital and Research Centre
Classification: Likely pathogenic for Leukodystrophy, hypomyelinating, 8, with or without oligodontia and/or hypogonadotropic hypogonadism. Last evaluated: 2025-09-10. Review status: criteria provided, single submitter. Criteria: ACMG Guidelines, 2015. Collection method: clinical testing. Allele origin: germline.

GeneDx
Classification: Pathogenic. Last evaluated: 2025-04-16. Review status: criteria provided, single submitter. Criteria: GeneDx Variant Classification Process June 2021. Collection method: clinical testing. Allele origin: germline. Affected: yes.
Comment: Nonsense variant predicted to result in protein truncation or nonsense mediated decay in a gene for which loss of function is a known mechanism of disease; Has not been previously published as pathogenic or benign to our knowledge

Kariminejad - Najmabadi Pathology & Genetics Center
Classification: Pathogenic for Charcot-Marie-Tooth disease, demyelinating, IIA 1I. Last evaluated: 2023-03-12. Review status: criteria provided, single submitter. Criteria: ACMG Guidelines, 2015. Collection method: clinical testing. Allele origin: germline. Inheritance: Autosomal dominant inheritance. Affected: yes.
Comment: PVS1(Very Strong),PM2,PP5,PS4(Supporting)

Genetics and Molecular Pathology, SA Pathology
Classification: Likely pathogenic for Leukodystrophy, hypomyelinating, 8, with or without oligodontia and/or hypogonadotropic hypogonadism. Last evaluated: 2022-10-31. Review status: criteria provided, single submitter. Criteria: ACMG Guidelines, 2015. Collection method: clinical testing. Allele origin: germline. Affected: yes.